The following is an entry in ClinVar:

NM_001006630.2(CHRM2):c.549T>C (p.Asn183=)

Genes: CHRM2 (cholinergic receptor muscarinic 2; plus strand), LOC349160 (uncharacterized LOC349160; minus strand). Cytogenetic location: 7q33.
Variant type: single nucleotide variant.
Coding change: c.549T>C on transcript NM_001006630.2 (MANE Select); coding-DNA position 549, T replaced by C.
Protein change: p.Asn183=; no amino-acid change (asparagine 183 retained).
Molecular consequence: synonymous variant.
Genome position (GRCh38, 1-based): chr7:137,015,414, T>C. VCF-style: chr7-137015414-T-C. GRCh37 (hg19) VCF-style: chr7-136700161-T-C.
Other names: c.549T>C, p.Asn183= (NM_000739.3, NM_001006626.3, NM_001006627.3 and 6 more transcripts).
Identifiers: ClinVar variation 506633 (VCV000506633.11), dbSNP rs141951417, ClinGen allele CA4500540.

ClinVar aggregate classification (germline): Benign. Review status: criteria provided, multiple submitters, no conflicts (2 of 4 stars). 2 submissions from 2 submitters: Benign (2). Last evaluated 2025-12-20.

Allele frequency attached by ClinVar (database versions not stated): gnomAD exomes 0.00029 and 0.00118; gnomAD 0.00031 and 0.00044; TOPMed 0.00080; ExAC 0.00104; 1000 Genomes Project 0.00260; 1000 Genomes Project 30x 0.00312.
gnomAD v4.1: 492 of 1,613,512 alleles (0.03%); highest among the groups gnomAD compares: East Asian, 0.92%; 6 homozygotes.

Submissions (2):

Labcorp Genetics (formerly Invitae), Labcorp
Classification: Benign. Last evaluated: 2025-12-20. Review status: criteria provided, single submitter. Criteria: Invitae Variant Classification Sherloc (09022015). Collection method: clinical testing. Allele origin: germline.

GeneDx
Classification: Benign. Last evaluated: 2017-08-25. Review status: criteria provided, single submitter. Criteria: GeneDx Variant Classification (06012015). Collection method: clinical testing. Allele origin: germline. Affected: yes.
Comment: This variant is considered likely benign or benign based on one or more of the following criteria: it is a conservative change, it occurs at a poorly conserved position in the protein, it is predicted to be benign by multiple in silico algorithms, and/or has population frequency not consistent with disease.